The following is an entry in ClinVar:

ClinVar aggregate classification (germline): Likely benign (1 of 4 stars; one submission).

Allele frequency attached by ClinVar (database versions not stated): 1000 Genomes Project 30x 0.00016; gnomAD 0.00044; TOPMed 0.00053; 1000 Genomes Project 0.00100; ExAC 0.00213.
gnomAD v4.1: 599 of 1,581,164 alleles (0.038%); highest among the groups gnomAD compares: Middle Eastern, 0.063%; 7 homozygotes.

Submission:

CeGaT Center for Human Genetics Tuebingen
Classification: Likely benign. Last evaluated: 2024-02-01. Review status: criteria provided, single submitter. Criteria: CeGaT Center For Human Genetics Tuebingen Variant Classification Criteria Version 2. Collection method: clinical testing. Allele origin: germline. Affected: yes. Observed: 1 variant allele.
Comment: GOLGA8M: BS2

NM_001282468.3(GOLGA8M):c.1241C>T (p.Thr414Met)

Gene: GOLGA8M (golgin A8 family member M; minus strand). Cytogenetic location: 15q13.1.
Variant type: single nucleotide variant.
Coding change: c.1241C>T on transcript NM_001282468.3 (MANE Select); coding-DNA position 1241, C replaced by T.
Protein change: p.Thr414Met; replaces threonine 414 with methionine.
Molecular consequence: missense variant.
Genome position (GRCh38, 1-based): chr15:28,703,877, G>A on the plus strand (C>T on the coding strand, the complement: GOLGA8M is on the minus strand). VCF-style: chr15-28703877-G-A. GRCh37 (hg19) VCF-style: chr15-28949023-G-A.
Other names: short protein forms T414M.
Identifiers: ClinVar variation 3024897 (VCV003024897.22), dbSNP rs574563785, ClinGen allele CA7444551.